The following is an entry in ClinVar:

ClinVar aggregate classification (germline): Uncertain significance (1 of 4 stars; one submission).

Submission:

Labcorp Genetics (formerly Invitae), Labcorp
Classification: Uncertain significance. Last evaluated: 2022-10-29. Review status: criteria provided, single submitter. Criteria: Invitae Variant Classification Sherloc (09022015). Collection method: clinical testing. Allele origin: germline.
Comment: This variant is not present in population databases (gnomAD no frequency). This sequence change replaces glutamine, which is neutral and polar, with lysine, which is basic and polar, at codon 808 of the MICAL1 protein (p.Gln808Lys). This variant has not been reported in the literature in individuals affected with MICAL1-related conditions. In summary, the available evidence is currently insufficient to determine the role of this variant in disease. Therefore, it has been classified as a Variant of Uncertain Significance. Algorithms developed to predict the effect of missense changes on protein structure and function (SIFT, PolyPhen-2, Align-GVGD) all suggest that this variant is likely to be tolerated.

NM_022765.4(MICAL1):c.2365C>A (p.Gln789Lys)

Gene: MICAL1 (microtubule associated monooxygenase, calponin and LIM domain containing 1; minus strand). Cytogenetic location: 6q21.
Variant type: single nucleotide variant.
Coding change: c.2365C>A on transcript NM_022765.4 (MANE Select); coding-DNA position 2365, C replaced by A.
Protein change: p.Gln789Lys; replaces glutamine 789 with lysine.
Molecular consequence: missense variant.
Genome position (GRCh38, 1-based): chr6:109,446,352, G>T on the plus strand (C>A on the coding strand, the complement: MICAL1 is on the minus strand). VCF-style: chr6-109446352-G-T. GRCh37 (hg19) VCF-style: chr6-109767555-G-T.
Other names: c.2107C>A, p.Gln703Lys (NM_001159291.2); c.2422C>A, p.Gln808Lys (NM_001286613.2); short protein forms Q703K, Q789K, Q808K.
Identifiers: ClinVar variation 2960649 (VCV002960649.3), dbSNP rs2482775438, ClinGen allele CA365223897.